The following is an entry in ClinVar:

ClinVar aggregate classification (germline): Likely benign. Review status: criteria provided, multiple submitters, no conflicts (2 of 4 stars). 2 submissions from 2 submitters: Likely benign (2). Last evaluated 2025-12-16.

Conditions:
MOGS-related disorder. Also called: MOGS-related condition.
MOGS-congenital disorder of glycosylation. Also called: MOGS-CDG; CDG 2B; GLUCOSIDASE I DEFICIENCY; CDG IIb. Identifiers: Orphanet 79330, MedGen C1853736, MONDO:0011629, OMIM 606056.

Allele frequency attached by ClinVar (database versions not stated): gnomAD 0.00003 and 0.00005; TOPMed 0.00005; gnomAD exomes 0.00013; ExAC 0.00014.

Submissions (3):

Labcorp Genetics (formerly Invitae), Labcorp
Classification: Likely benign for MOGS-congenital disorder of glycosylation. Last evaluated: 2025-12-16. Review status: criteria provided, single submitter. Criteria: Invitae Variant Classification Sherloc (09022015). Collection method: clinical testing. Allele origin: germline.

PreventionGenetics, part of Exact Sciences
Classification: Likely benign for MOGS-related condition. Last evaluated: 2024-12-21. Review status: criteria provided, single submitter. Criteria: ACMG Guidelines, 2015. Collection method: clinical testing. Allele origin: germline.
Comment: This variant is classified as likely benign based on ACMG/AMP sequence variant interpretation guidelines (Richards et al. 2015 PMID: 25741868, with internal and published modifications).

Dr. Peter K. Rogan Lab, Western University
No classification provided (evidence only). Condition: Thyroid cancer, nonmedullary, 1. Review status: no classification provided. Collection method: in vitro. Allele origin: not applicable. Functional consequence: retained intron. Not counted in ClinVar's aggregate classification.

NM_006302.3(MOGS):c.777-6T>G

Gene: MOGS (mannosyl-oligosaccharide glucosidase; minus strand). Cytogenetic location: 2p13.1.
Variant type: single nucleotide variant.
Coding change: c.777-6T>G on transcript NM_006302.3 (MANE Select); 6 bases into the intron before coding-DNA position 777, T replaced by G.
Molecular consequence: intron variant.
Genome position (GRCh38, 1-based): chr2:74,463,018, A>C on the plus strand (T>G on the coding strand, the complement: MOGS is on the minus strand). VCF-style: chr2-74463018-A-C. GRCh37 (hg19) VCF-style: chr2-74690145-A-C.
Other names: c.459-6T>G (NM_001146158.2).
Identifiers: ClinVar variation 708315 (VCV000708315.10), dbSNP rs538030628, ClinGen allele CA1724925.